The following is an entry in ClinVar:

ClinVar aggregate classification (germline): Conflicting classifications of pathogenicity. Review status: criteria provided, conflicting classifications (1 of 4 stars). 4 submissions from 4 submitters: Uncertain significance (1); Likely benign (2). 1 of the submissions does not count toward it. Last evaluated 2026-01-21.

Conditions:
GPR179-related disorder. Also called: GPR179-related condition.
Congenital stationary night blindness 1E. Also called: Night blindness, congenital stationary (complete), 1E, autosomal recessive. Identifiers: Orphanet 215, MedGen C3281215, MONDO:0013807, OMIM 614565.

Allele frequency attached by ClinVar (database versions not stated): gnomAD 0.00001; gnomAD exomes 0.00002; TOPMed 0.00003; ExAC 0.00007.
gnomAD v4.1: 16 of 1,550,238 alleles (0.001%); highest among the groups gnomAD compares: East Asian, 0.0097%; no homozygotes.

Submissions (4):

Labcorp Genetics (formerly Invitae), Labcorp
Classification: Likely benign. Last evaluated: 2026-01-21. Review status: criteria provided, single submitter. Criteria: Invitae Variant Classification Sherloc (09022015). Collection method: clinical testing. Allele origin: germline.

Blueprint Genetics
Classification: Likely benign. Last evaluated: 2024-10-28. Review status: criteria provided, single submitter. Criteria: ACMG Guidelines, 2015. Collection method: clinical testing. Allele origin: germline.

Illumina Laboratory Services, Illumina
Classification: Uncertain significance for Congenital stationary night blindness 1E. Last evaluated: 2018-01-13. Review status: criteria provided, single submitter. Criteria: ICSL Variant Classification Criteria 13 December 2019. Collection method: clinical testing. Allele origin: germline.

PreventionGenetics, part of Exact Sciences
Classification: Likely benign for GPR179-related condition. Last evaluated: 2019-11-19. Review status: no assertion criteria provided. Collection method: clinical testing. Allele origin: germline. Not counted in ClinVar's aggregate classification.
Comment: This variant is classified as likely benign based on ACMG/AMP sequence variant interpretation guidelines (Richards et al. 2015 PMID: 25741868, with internal and published modifications).

NM_001004334.4(GPR179):c.1417C>T (p.Leu473=)

Gene: GPR179 (G protein-coupled receptor 179; minus strand). Cytogenetic location: 17q12.
Variant type: single nucleotide variant.
Coding change: c.1417C>T on transcript NM_001004334.4 (MANE Select); coding-DNA position 1417, C replaced by T.
Protein change: p.Leu473=; no amino-acid change (leucine 473 retained).
Molecular consequence: synonymous variant.
Genome position (GRCh38, 1-based): chr17:38,335,261, G>A on the plus strand (C>T on the coding strand, the complement: GPR179 is on the minus strand). VCF-style: chr17-38335261-G-A. GRCh37 (hg19) VCF-style: chr17-36491144-G-A.
Other names: c.1417C>T (NM_001004334.3).
Identifiers: ClinVar variation 323021 (VCV000323021.12), dbSNP rs762389933, ClinGen allele CA10650041.